The following is an entry in ClinVar:

ClinVar aggregate classification (germline): Uncertain significance. Review status: criteria provided, multiple submitters, no conflicts (2 of 4 stars). 2 submissions from 2 submitters: Uncertain significance (2). Last evaluated 2024-06-12.

Conditions:
Donnai-Barrow syndrome. Also called: DBS/FOAR SYNDROME; FACIOOCULOACOUSTICORENAL SYNDROME. Identifiers: Orphanet 2143, MedGen C1857277, MONDO:0009104, OMIM 222448.

Allele frequency attached by ClinVar (database versions not stated): ExAC 0.00002; TOPMed 0.00004; gnomAD 0.00005.
gnomAD v4.1: 17 of 1,613,962 alleles (0.0011%); highest among the groups gnomAD compares: Admixed American, 0.0083%; no homozygotes.

Submissions (2):

Fulgent Genetics
Classification: Uncertain significance for Donnai-Barrow syndrome. Last evaluated: 2024-06-12. Review status: criteria provided, single submitter. Criteria: ACMG Guidelines, 2015. Collection method: clinical testing. Allele origin: germline.

Labcorp Genetics (formerly Invitae), Labcorp
Classification: Uncertain significance. Last evaluated: 2023-10-02. Review status: criteria provided, single submitter. Criteria: Invitae Variant Classification Sherloc (09022015). Collection method: clinical testing. Allele origin: germline.
Comment: This sequence change replaces isoleucine, which is neutral and non-polar, with valine, which is neutral and non-polar, at codon 4115 of the LRP2 protein (p.Ile4115Val). This variant is present in population databases (rs757973016, gnomAD 0.003%). This variant has not been reported in the literature in individuals affected with LRP2-related conditions. ClinVar contains an entry for this variant (Variation ID: 1926867). Advanced modeling of protein sequence and biophysical properties (such as structural, functional, and spatial information, amino acid conservation, physicochemical variation, residue mobility, and thermodynamic stability) has been performed at Invitae for this missense variant, however the output from this modeling did not meet the statistical confidence thresholds required to predict the impact of this variant on LRP2 protein function. In summary, the available evidence is currently insufficient to determine the role of this variant in disease. Therefore, it has been classified as a Variant of Uncertain Significance.

NM_004525.3(LRP2):c.12343A>G (p.Ile4115Val)

Gene: LRP2 (LDL receptor related protein 2; minus strand). Cytogenetic location: 2q31.1.
Variant type: single nucleotide variant.
Coding change: c.12343A>G on transcript NM_004525.3 (MANE Select); coding-DNA position 12343, A replaced by G.
Protein change: p.Ile4115Val; replaces isoleucine 4115 with valine.
Molecular consequence: missense variant.
Genome position (GRCh38, 1-based): chr2:169,152,917, T>C on the plus strand (A>G on the coding strand, the complement: LRP2 is on the minus strand). VCF-style: chr2-169152917-T-C. GRCh37 (hg19) VCF-style: chr2-170009427-T-C.
Other names: short protein forms I4115V.
Identifiers: ClinVar variation 1926867 (VCV001926867.4), dbSNP rs757973016, ClinGen allele CA1952827.
Genomic context (GRCh38, chr2:169,152,917, plus strand): 5'-CAACTTCCTGCACAAGATTATTGCGGCCGGATTCAAAGTTGGGGATGTAGGCACGTTTGA[T>C]AGCACCAAACCTAGAGCCCTCCCCTCGCACAGTGTAATACACAACACCTACAGAGGAAGA-3'
Protein context (NP_004516.2, residues 4105-4125): VRGEGSRFGA[Ile4115Val]KRAYIPNFES